The following is an entry in ClinVar:

ClinVar aggregate classification (germline): Likely pathogenic. Review status: criteria provided, single submitter (1 of 4 stars). 2 submissions from 2 submitters: Likely pathogenic (1). 1 of the submissions does not count toward it. Last evaluated 2025-02-26.

Conditions:
Alport syndrome. Also called: Hemorrhagic familial nephritis; Hemorrhagic hereditary nephritis; Congenital hereditary hematuria. Identifiers: Orphanet 63, MedGen C1567741, MONDO:0018965.

Submissions (2):

Victorian Clinical Genetics Services, Murdoch Childrens Research Institute
Classification: Likely pathogenic for Alport syndrome. Last evaluated: 2025-02-26. Review status: criteria provided, single submitter. Criteria: ACMG Guidelines, 2015. Collection method: clinical testing. Allele origin: germline. Affected: yes.
Comment: This variant is classified as Likely pathogenic. Evidence in support of pathogenic classification: Variant is absent from gnomAD (v2, v3 and v4); This variant has limited previous evidence of pathogenicity in an unrelated individual(s). This variant has been reported in the literature in one individual with Alport syndrome, and classified as likely pathogenic by the same clinical laboratory in ClinVar (PMID: 37323669); Variant is located in the well-established functional Gly-X-Y motif (DECIPHER); Missense variant predicted to be damaging by in silico tool(s) or highly conserved with a major amino acid change. Additional information: Variant is predicted to result in a missense amino acid change from glycine to valine; This variant is heterozygous; This gene is associated with both recessive and dominant disease. Alport syndrome typically has biallelic inheritance, although rare cases of monoallelic inheritance have been reported (PMID: 28704582). Thin basement membrane nephropathy (TBMN) and focal segmental glomerulosclerosis (FSGS) are associated with autosomal dominant inheritance (OMIM, PMIDs: 16467446, 17942953); No published segregation evidence has been identified for this variant; Another missense variant(s) comparable to the one identified in this case has inconclusive previous evidence for pathogenicity. p.(Gly394Ser) has been classified as a VUS by a clinical laboratory in ClinVar, and reported in the literature in a homozygous individual with Alport syndrome (PMID: 36514391); Loss of function is a known mechanism of disease for this gene and is associated with Alport syndrome. Dominant negative is a suspected mechanism of disease for this gene as it is a structural protein (PMIDs: 12028435, 24046192); Inheritance information for this variant is not currently available in this individual.

Institute of Medical Genetics, Medical University of Vienna
Classification: Likely pathogenic for Alport syndrome. Last evaluated: 2023-04-05. Review status: no assertion criteria provided. Collection method: clinical testing. Allele origin: germline. Affected: yes. Not counted in ClinVar's aggregate classification.

Literature cited by the submitters: PubMed 24046192 (cited by Victorian Clinical Genetics Services, Murdoch Childrens Research Institute); PubMed 16467446 (cited by Victorian Clinical Genetics Services, Murdoch Childrens Research Institute); PubMed 36514391 (cited by Victorian Clinical Genetics Services, Murdoch Childrens Research Institute); PubMed 12028435 (cited by Victorian Clinical Genetics Services, Murdoch Childrens Research Institute); PubMed 28704582 (cited by Victorian Clinical Genetics Services, Murdoch Childrens Research Institute); PubMed 17942953 (cited by Victorian Clinical Genetics Services, Murdoch Childrens Research Institute); PubMed 37323669 (cited by Victorian Clinical Genetics Services, Murdoch Childrens Research Institute).

NM_000092.5(COL4A4):c.1181G>T (p.Gly394Val)

Gene: COL4A4 (collagen type IV alpha 4 chain; minus strand). Cytogenetic location: 2q36.3.
Variant type: single nucleotide variant.
Coding change: c.1181G>T on transcript NM_000092.5 (MANE Select); coding-DNA position 1181, G replaced by T.
Protein change: p.Gly394Val; replaces glycine 394 with valine.
Molecular consequence: missense variant.
Genome position (GRCh38, 1-based): chr2:227,098,717, C>A on the plus strand (G>T on the coding strand, the complement: COL4A4 is on the minus strand). VCF-style: chr2-227098717-C-A. GRCh37 (hg19) VCF-style: chr2-227963433-C-A.
Other names: short protein forms G394V.
Identifiers: ClinVar variation 2499540 (VCV002499540.3), dbSNP rs2475417678, ClinGen allele CA350853854.